The following is an entry in ClinVar:

NM_001083962.2(TCF4):c.549+28669T>C

Gene: TCF4 (transcription factor 4; minus strand). Cytogenetic location: 18q21.2.
Variant type: single nucleotide variant.
Coding change: c.549+28669T>C on transcript NM_001083962.2 (MANE Select); 28669 bases into the intron after coding-DNA position 549, T replaced by C.
Molecular consequence: intron variant. On other transcripts: missense variant (3).
Genome position (GRCh38, 1-based): chr18:55,321,690, A>G on the plus strand (T>C on the coding strand, the complement: TCF4 is on the minus strand). VCF-style: chr18-55321690-A-G. GRCh37 (hg19) VCF-style: chr18-52988921-A-G.
Other names: c.49T>C, p.Tyr17His (NM_001243234.2, NM_001243235.2, NM_001348214.2); c.855+28669T>C (NM_001243226.3); c.474+28669T>C (NM_001369584.1, NM_001369576.1, NM_001369585.1 and 3 more transcripts); c.477+28669T>C (NM_001369577.1, NM_001369582.1, NM_001243227.2 and 9 more transcripts); c.549+28669T>C (NM_001369571.1, NM_001369567.1, NM_001243228.2 and 5 more transcripts); c.543+28669T>C (NM_001243230.2); c.546+28669T>C (NM_001369569.1, NM_001369573.1, NM_001369570.1); c.423+28669T>C (NM_001243231.2, NM_001348211.2); and 2 more; short protein forms Y17H.
Identifiers: ClinVar variation 1690629 (VCV001690629.2), dbSNP rs2147492353, ClinGen allele CA402702206.

ClinVar aggregate classification (germline): Uncertain significance (1 of 4 stars; one submission).

Submission:

Laboratorio de Genetica e Diagnostico Molecular, Hospital Israelita Albert Einstein
Classification: Uncertain significance. Last evaluated: 2021-04-26. Review status: criteria provided, single submitter. Criteria: ACMG Guidelines, 2015. Collection method: clinical testing. Allele origin: germline. Affected: yes.
Comment: ACMG classification criteria: PM2, BP4